The following is an entry in ClinVar:

NM_001042492.3(NF1):c.2927C>G (p.Thr976Ser)

Gene: NF1 (neurofibromin 1; plus strand). Cytogenetic location: 17q11.2.
Variant type: single nucleotide variant.
Coding change: c.2927C>G on transcript NM_001042492.3 (MANE Select); coding-DNA position 2927, C replaced by G.
Protein change: p.Thr976Ser; replaces threonine 976 with serine.
Molecular consequence: missense variant.
Genome position (GRCh38, 1-based): chr17:31,229,911, C>G. VCF-style: chr17-31229911-C-G. GRCh37 (hg19) VCF-style: chr17-29556929-C-G.
Other names: c.2927C>G, p.Thr976Ser (NM_000267.4); short protein forms T976S.
Identifiers: ClinVar variation 1350706 (VCV001350706.11), dbSNP rs755404523, ClinGen allele CA398986226.

ClinVar aggregate classification (germline): Uncertain significance. Review status: criteria provided, multiple submitters, no conflicts (2 of 4 stars). 2 submissions from 2 submitters: Uncertain significance (2). Last evaluated 2025-10-13.

Conditions:
Hereditary cancer-predisposing syndrome. Also called: Hereditary Cancer Syndrome; Neoplastic Syndromes, Hereditary; Tumor predisposition; Hereditary neoplastic syndrome. Identifiers: Orphanet 140162, MedGen C0027672, MeSH D009386, MONDO:0015356.
Cardiovascular phenotype. Identifiers: MedGen CN230736.
Neurofibromatosis, type 1 (NF1). Also called: VON RECKLINGHAUSEN DISEASE; Peripheral type neurofibromatosis; Neurofibromatosis, type I; NEUROFIBROMATOSIS, TYPE I, SOMATIC. Identifiers: Orphanet 636, MedGen C0027831, MONDO:0018975, OMIM 162200. Disease mechanism: loss of function.

gnomAD v4.1: 1 of 1,611,654 alleles (0.000062%); highest among the groups gnomAD compares: African/African-American, 0.0013%; no homozygotes.

Submissions (2):

Labcorp Genetics (formerly Invitae), Labcorp
Classification: Uncertain significance for Neurofibromatosis, type 1. Last evaluated: 2025-10-13. Review status: criteria provided, single submitter. Criteria: Invitae Variant Classification Sherloc (09022015). Collection method: clinical testing. Allele origin: germline.
Comment: This sequence change replaces threonine, which is neutral and polar, with serine, which is neutral and polar, at codon 976 of the NF1 protein (p.Thr976Ser). This variant is not present in population databases (gnomAD no frequency). This variant has not been reported in the literature in individuals affected with NF1-related conditions. ClinVar contains an entry for this variant (Variation ID: 1350706). Invitae Evidence Modeling of protein sequence and biophysical properties (such as structural, functional, and spatial information, amino acid conservation, physicochemical variation, residue mobility, and thermodynamic stability) indicates that this missense variant is not expected to disrupt NF1 protein function with a negative predictive value of 95%. In summary, the available evidence is currently insufficient to determine the role of this variant in disease. Therefore, it has been classified as a Variant of Uncertain Significance.

Ambry Genetics
Classification: Uncertain significance for Cardiovascular phenotype; Hereditary cancer-predisposing syndrome. Last evaluated: 2025-05-16. Review status: criteria provided, single submitter. Criteria: Ambry Variant Classification Scheme 2023. Collection method: clinical testing. Allele origin: germline.
Comment: The p.T976S variant (also known as c.2927C>G), located in coding exon 22 of the NF1 gene, results from a C to G substitution at nucleotide position 2927. The threonine at codon 976 is replaced by serine, an amino acid with similar properties. This amino acid position is well conserved in available vertebrate species. In addition, this alteration is predicted to be tolerated by in silico analysis. Based on the available evidence, the clinical significance of this variant remains unclear.